The following is an entry in ClinVar:

NM_000384.3(APOB):c.4240C>T (p.His1414Tyr)

Gene: APOB (apolipoprotein B; minus strand). Cytogenetic location: 2p24.1.
Variant type: single nucleotide variant.
Coding change: c.4240C>T on transcript NM_000384.3 (MANE Select); coding-DNA position 4240, C replaced by T.
Protein change: p.His1414Tyr; replaces histidine 1414 with tyrosine.
Molecular consequence: missense variant.
Genome position (GRCh38, 1-based): chr2:21,012,628, G>A on the plus strand (C>T on the coding strand, the complement: APOB is on the minus strand). VCF-style: chr2-21012628-G-A. GRCh37 (hg19) VCF-style: chr2-21235500-G-A.
Other names: short protein forms H1414Y.
Identifiers: ClinVar variation 2451294 (VCV002451294.2), dbSNP rs1372227367, ClinGen allele CA346007313.

ClinVar aggregate classification (germline): Uncertain significance (1 of 4 stars; one submission).

Conditions:
Cardiovascular phenotype. Identifiers: MedGen CN230736.

gnomAD v4.1: 2 of 1,612,656 alleles (0.00012%); highest among the groups gnomAD compares: Non-Finnish European, 0.00017%; no homozygotes.

Submission:

Ambry Genetics
Classification: Uncertain significance for Cardiovascular phenotype. Last evaluated: 2022-12-06. Review status: criteria provided, single submitter. Criteria: Ambry Variant Classification Scheme 2023. Collection method: clinical testing. Allele origin: germline.
Comment: The p.H1414Y variant (also known as c.4240C>T), located in coding exon 26 of the APOB gene, results from a C to T substitution at nucleotide position 4240. The histidine at codon 1414 is replaced by tyrosine, an amino acid with similar properties. This amino acid position is conserved. In addition, this alteration is predicted to be tolerated by in silico analysis. Since supporting evidence is limited at this time, the clinical significance of this alteration remains unclear.